The following is an entry in ClinVar:

ClinVar aggregate classification (germline): Likely benign. Review status: criteria provided, multiple submitters, no conflicts (2 of 4 stars). 2 submissions from 2 submitters: Likely benign (2). Last evaluated 2025-02-27.

Allele frequency attached by ClinVar (database versions not stated): ExAC 0.00005; gnomAD 0.00005 and 0.00006; gnomAD exomes 0.00005; TOPMed 0.00007; ESP Exome Variant Server 0.00008.
gnomAD v4.1: 84 of 1,613,978 alleles (0.0052%); highest among the groups gnomAD compares: Admixed American, 0.01%; no homozygotes.

Submissions (2):

Labcorp Genetics (formerly Invitae), Labcorp
Classification: Likely benign. Last evaluated: 2025-02-27. Review status: criteria provided, single submitter. Criteria: Invitae Variant Classification Sherloc (09022015). Collection method: clinical testing. Allele origin: germline.

CeGaT Center for Human Genetics Tuebingen
Classification: Likely benign. Last evaluated: 2024-01-01. Review status: criteria provided, single submitter. Criteria: CeGaT Center For Human Genetics Tuebingen Variant Classification Criteria Version 2. Collection method: clinical testing. Allele origin: germline. Affected: yes. Observed: 1 variant allele.
Comment: JAK1: BP4, BP7

NM_002227.4(JAK1):c.780C>T (p.Ser260=)

Gene: JAK1 (Janus kinase 1; minus strand). Cytogenetic location: 1p31.3.
Variant type: single nucleotide variant.
Coding change: c.780C>T on transcript NM_002227.4 (MANE Select); coding-DNA position 780, C replaced by T.
Protein change: p.Ser260=; no amino-acid change (serine 260 retained).
Molecular consequence: synonymous variant.
Genome position (GRCh38, 1-based): chr1:64,867,076, G>A on the plus strand (C>T on the coding strand, the complement: JAK1 is on the minus strand). VCF-style: chr1-64867076-G-A. GRCh37 (hg19) VCF-style: chr1-65332759-G-A.
Other names: c.780C>T, p.Ser260= (NM_001320923.2, NM_001321852.2, NM_001321853.2 and 4 more transcripts).
Identifiers: ClinVar variation 1595532 (VCV001595532.30), dbSNP rs368468194, ClinGen allele CA893091.